The following is an entry in ClinVar:

NC_000012.11:g.(?_121172765)_(121176235_?)del

Gene: ACADS (acyl-CoA dehydrogenase short chain; plus strand). Cytogenetic location: 12q24.31.
Variant type: Deletion.
Identifiers: ClinVar variation 1509542 (VCV001509542.5).

ClinVar aggregate classification (germline): Pathogenic (1 of 4 stars; one submission).

Conditions:
Deficiency of butyryl-CoA dehydrogenase (ACADSD). Also called: ACADS DEFICIENCY; Short-Chain Acyl-CoA Dehydrogenase Deficiency; SCADH DEFICIENCY; SCAD DEFICIENCY, MILD; SCAD Deficiency; ACYL-CoA DEHYDROGENASE, SHORT-CHAIN, DEFICIENCY OF. Identifiers: Orphanet 26792, MedGen C0342783, MONDO:0008722, OMIM 201470. Disease mechanism: May be benign.

Submission:

Labcorp Genetics (formerly Invitae), Labcorp
Classification: Pathogenic for Deficiency of butyryl-CoA dehydrogenase. Last evaluated: 2022-09-02. Review status: criteria provided, single submitter. Criteria: Invitae Variant Classification Sherloc (09022015). Collection method: clinical testing. Allele origin: germline.
Comment: For these reasons, this variant has been classified as Pathogenic. This variant disrupts a region of the ACADS protein in which other variant(s) (p.Gly92Cys) have been determined to be pathogenic (PMID: 9499414, 14506246). This suggests that this is a clinically significant region of the protein, and that variants that disrupt it are likely to be disease-causing. This variant has not been reported in the literature in individuals affected with ACADS-related conditions. This variant results in the deletion of exons 3-5 and part of exon 6 of the ACADS gene. It is expected to disrupt RNA splicing. Variants that disrupt the donor or acceptor splice site typically lead to a loss of protein function (PMID: 16199547), and loss-of-function variants in ACADS are known to be pathogenic (PMID: 12736383, 18523805).

Literature cited by the submitters: PubMed 9499414; PubMed 14506246; PubMed 16199547; PubMed 12736383; PubMed 18523805.